The following is an entry in ClinVar:

NM_001367823.1(ARHGEF18):c.2113_2121del (p.Ala705_Leu707del)

Gene: ARHGEF18 (Rho/Rac guanine nucleotide exchange factor 18; plus strand). Cytogenetic location: 19p13.2.
Variant type: Deletion.
Coding change: c.2113_2121del on transcript NM_001367823.1 (MANE Select); coding-DNA positions 2113 to 2121, 9 bases deleted (GCTATCCTG; older notation c.2113_2121delGCTATCCTG).
Protein change: p.Ala705_Leu707del.
Molecular consequence: inframe deletion.
Genome position (GRCh38, 1-based): chr19:7,456,335-7,456,343, GCTATCCTG deleted; deleting any 9 consecutive bases within chr19:7,456,328-7,456,343 gives the same sequence; the c. name uses the placement nearest the transcript's 3' end. VCF-style (leftmost placement, unchanged base first): chr19-7456327-ATATCCTGGC-A. GRCh37 (hg19) VCF-style: chr19-7521213-ATATCCTGGC-A.
Other names: c.1387_1395del, p.Ala463_Leu465del (NM_001130955.2); c.1075_1083del, p.Ala359_Leu361del (NM_001367824.1, NM_015318.4).
Identifiers: ClinVar variation 1060664 (VCV001060664.9), dbSNP rs2145856771, ClinGen allele CA2499225615.

ClinVar aggregate classification (germline): Uncertain significance (1 of 4 stars; one submission).

Submission:

Labcorp Genetics (formerly Invitae), Labcorp
Classification: Uncertain significance. Last evaluated: 2024-02-23. Review status: criteria provided, single submitter. Criteria: Invitae Variant Classification Sherloc (09022015). Collection method: clinical testing. Allele origin: germline.
Comment: This variant, c.1549_1557del, results in the deletion of 3 amino acid(s) of the ARHGEF18 protein (p.Ala517_Leu519del), but otherwise preserves the integrity of the reading frame. This variant is not present in population databases (gnomAD no frequency). This variant has not been reported in the literature in individuals affected with ARHGEF18-related conditions. ClinVar contains an entry for this variant (Variation ID: 1060664). Experimental studies and prediction algorithms are not available or were not evaluated, and the functional significance of this variant is currently unknown. In summary, the available evidence is currently insufficient to determine the role of this variant in disease. Therefore, it has been classified as a Variant of Uncertain Significance.